The following is an entry in ClinVar:

NM_001374828.1(ARID1B):c.1405G>C (p.Gly469Arg)

Gene: ARID1B (AT-rich interaction domain 1B; plus strand). Cytogenetic location: 6q25.3.
Variant type: single nucleotide variant.
Coding change: c.1405G>C on transcript NM_001374828.1 (MANE Select); coding-DNA position 1405, G replaced by C.
Protein change: p.Gly469Arg; replaces glycine 469 with arginine.
Molecular consequence: missense variant.
Genome position (GRCh38, 1-based): chr6:156,779,085, G>C. VCF-style: chr6-156779085-G-C. GRCh37 (hg19) VCF-style: chr6-157100219-G-C.
Other names: c.1405G>C, p.Gly469Arg (NM_001371656.1, NM_001374820.1, NM_017519.3); c.1156G>C (NM_020732.3); short protein forms G469R.
Identifiers: ClinVar variation 3349920 (VCV003349920.1).

ClinVar aggregate classification (germline): Uncertain significance (0 of 4 stars; one submission).

Conditions:
ARID1B-Related Disorder. Identifiers: MedGen CN381337.

gnomAD v4.1: 1 of 1,224,878 alleles (0.000082%); highest among the groups gnomAD compares: Non-Finnish European, 0.0001%; no homozygotes.

Submission:

PreventionGenetics, part of Exact Sciences
Classification: Uncertain significance for ARID1B-related condition. Last evaluated: 2024-04-25. Review status: no assertion criteria provided. Collection method: clinical testing. Allele origin: germline.
Comment: The ARID1B c.1156G>C variant is predicted to result in the amino acid substitution p.Gly386Arg. To our knowledge, this variant has not been reported in the literature or in a large population database, indicating this variant is rare. At this time, the clinical significance of this variant is uncertain due to the absence of conclusive functional and genetic evidence.